The following is an entry in ClinVar:

NM_017849.4(TMEM127):c.23G>T (p.Gly8Val)

Genes: TMEM127 (transmembrane protein 127; minus strand), LOC129934333 (ATAC-STARR-seq lymphoblastoid silent region 11759; plus strand). Cytogenetic location: 2q11.2.
Variant type: single nucleotide variant.
Coding change: c.23G>T on transcript NM_017849.4 (MANE Select); coding-DNA position 23, G replaced by T.
Protein change: p.Gly8Val; replaces glycine 8 with valine.
Molecular consequence: missense variant.
Genome position (GRCh38, 1-based): chr2:96,265,359, C>A on the plus strand (G>T on the coding strand, the complement: TMEM127 is on the minus strand). VCF-style: chr2-96265359-C-A. GRCh37 (hg19) VCF-style: chr2-96931097-C-A.
Other names: c.23G>T, p.Gly8Val (NM_001193304.3); short protein forms G8V.
Identifiers: ClinVar variation 821218 (VCV000821218.8), dbSNP rs1573978044, ClinGen allele CA347656301.

ClinVar aggregate classification (germline): Uncertain significance. Review status: criteria provided, multiple submitters, no conflicts (2 of 4 stars). 2 submissions from 2 submitters: Uncertain significance (2). Last evaluated 2025-09-09.

Conditions:
Hereditary pheochromocytoma and paraganglioma. Also called: Hereditary pheochromocytoma-paraganglioma; Hereditary paragangliomas and pheochromocytomas; Hereditary Paraganglioma-Pheochromocytoma Syndromes. Identifiers: Orphanet 29072, MedGen C4274332, MONDO:0017366.
Hereditary cancer-predisposing syndrome. Also called: Hereditary Cancer Syndrome; Tumor predisposition; Neoplastic Syndromes, Hereditary; Hereditary neoplastic syndrome. Identifiers: Orphanet 140162, MedGen C0027672, MeSH D009386, MONDO:0015356.

Allele frequency attached by ClinVar (database versions not stated): gnomAD exomes below 0.00001.
gnomAD v4.1: 3 of 1,485,434 alleles (0.0002%); highest among the groups gnomAD compares: Non-Finnish European, 0.00027%; no homozygotes.

Submissions (2):

Labcorp Genetics (formerly Invitae), Labcorp
Classification: Uncertain significance for Hereditary pheochromocytoma and paraganglioma. Last evaluated: 2025-09-09. Review status: criteria provided, single submitter. Criteria: Invitae Variant Classification Sherloc (09022015). Collection method: clinical testing. Allele origin: germline.
Comment: This sequence change replaces glycine, which is neutral and non-polar, with valine, which is neutral and non-polar, at codon 8 of the TMEM127 protein (p.Gly8Val). This variant is not present in population databases (gnomAD no frequency). This variant has not been reported in the literature in individuals affected with TMEM127-related conditions. ClinVar contains an entry for this variant (Variation ID: 821218). Experimental studies and prediction algorithms are not available or were not evaluated, and the functional significance of this variant is currently unknown. In summary, the available evidence is currently insufficient to determine the role of this variant in disease. Therefore, it has been classified as a Variant of Uncertain Significance.

Ambry Genetics
Classification: Uncertain significance for Hereditary cancer-predisposing syndrome. Last evaluated: 2024-11-19. Review status: criteria provided, single submitter. Criteria: Ambry Variant Classification Scheme 2023. Collection method: clinical testing. Allele origin: germline.
Comment: The p.G8V variant (also known as c.23G>T), located in coding exon 1 of the TMEM127 gene, results from a G to T substitution at nucleotide position 23. The glycine at codon 8 is replaced by valine, an amino acid with dissimilar properties. This amino acid position is well conserved in available vertebrate species. In addition, the in silico prediction for this alteration is inconclusive. Since supporting evidence is limited at this time, the clinical significance of this alteration remains unclear.